The following is an entry in ClinVar:

ClinVar aggregate classification (germline): Uncertain significance. Review status: criteria provided, multiple submitters, no conflicts (2 of 4 stars). 2 submissions from 2 submitters: Uncertain significance (2). Last evaluated 2022-03-14.

Conditions:
Inborn genetic diseases. Identifiers: MedGen C0950123, MeSH D030342.
Leukocyte adhesion deficiency 1 (LAD1). Also called: LAD 1; Lymphocyte function-associated antigen 1 immunodeficiency; LFA 1 immunodeficiency; LEUKOCYTE ADHESION DEFICIENCY, TYPE I. Identifiers: Orphanet 2968, Orphanet 99842, MedGen C0398738, MONDO:0007293, OMIM 116920.

Allele frequency attached by ClinVar (database versions not stated): gnomAD exomes 0.00005 and 0.00008; ExAC 0.00013; gnomAD 0.00020 and 0.00021; TOPMed 0.00022; ESP Exome Variant Server 0.00038; 1000 Genomes Project 30x 0.00047; 1000 Genomes Project 0.00060.

Submissions (2):

Labcorp Genetics (formerly Invitae), Labcorp
Classification: Uncertain significance for Leukocyte adhesion deficiency 1. Last evaluated: 2022-03-14. Review status: criteria provided, single submitter. Criteria: Invitae Variant Classification Sherloc (09022015). Collection method: clinical testing. Allele origin: germline.
Comment: This sequence change replaces phenylalanine, which is neutral and non-polar, with leucine, which is neutral and non-polar, at codon 269 of the ITGB2 protein (p.Phe269Leu). This variant is present in population databases (rs151274588, gnomAD 0.08%). This variant has not been reported in the literature in individuals affected with ITGB2-related conditions. ClinVar contains an entry for this variant (Variation ID: 1005854). Algorithms developed to predict the effect of missense changes on protein structure and function are either unavailable or do not agree on the potential impact of this missense change (SIFT: "Deleterious"; PolyPhen-2: "Benign"; Align-GVGD: "Class C15"). In summary, the available evidence is currently insufficient to determine the role of this variant in disease. Therefore, it has been classified as a Variant of Uncertain Significance.

Ambry Genetics
Classification: Uncertain significance for Inborn genetic diseases. Last evaluated: 2021-10-20. Review status: criteria provided, single submitter. Criteria: Ambry Variant Classification Scheme 2023. Collection method: clinical testing. Allele origin: germline.

NM_000211.5(ITGB2):c.805T>C (p.Phe269Leu)

Gene: ITGB2 (integrin subunit beta 2; minus strand). Cytogenetic location: 21q22.3.
Variant type: single nucleotide variant.
Coding change: c.805T>C on transcript NM_000211.5 (MANE Select); coding-DNA position 805, T replaced by C.
Protein change: p.Phe269Leu; replaces phenylalanine 269 with leucine.
Molecular consequence: missense variant.
Genome position (GRCh38, 1-based): chr21:44,900,412, A>G on the plus strand (T>C on the coding strand, the complement: ITGB2 is on the minus strand). VCF-style: chr21-44900412-A-G. GRCh37 (hg19) VCF-style: chr21-46320327-A-G.
Other names: c.805T>C, p.Phe269Leu (NM_001127491.3); c.598T>C, p.Phe200Leu (NM_001303238.2); c.805T>C (NM_000211.3); short protein forms F200L, F269L.
Identifiers: ClinVar variation 1005854 (VCV001005854.7), dbSNP rs151274588, ClinGen allele CA10063059.